The following is an entry in ClinVar:

ClinVar aggregate classification (germline): Uncertain significance (1 of 4 stars; one submission).

Allele frequency attached by ClinVar (database versions not stated): TOPMed 0.00002.

Submission:

Labcorp Genetics (formerly Invitae), Labcorp
Classification: Uncertain significance. Last evaluated: 2021-08-02. Review status: criteria provided, single submitter. Criteria: Invitae Variant Classification Sherloc (09022015). Collection method: clinical testing. Allele origin: germline.
Comment: In summary, the available evidence is currently insufficient to determine the role of this variant in disease. Therefore, it has been classified as a Variant of Uncertain Significance. Algorithms developed to predict the effect of missense changes on protein structure and function (SIFT, PolyPhen-2, Align-GVGD) all suggest that this variant is likely to be tolerated. This variant has not been reported in the literature in individuals affected with CEP63-related conditions. This variant is not present in population databases (ExAC no frequency). This sequence change replaces serine with arginine at codon 331 of the CEP63 protein (p.Ser331Arg). The serine residue is weakly conserved and there is a moderate physicochemical difference between serine and arginine.

NM_001353108.3(CEP63):c.993T>G (p.Ser331Arg)

Gene: CEP63 (centrosomal protein 63; plus strand). Cytogenetic location: 3q22.2.
Variant type: single nucleotide variant.
Coding change: c.993T>G on transcript NM_001353108.3 (MANE Select); coding-DNA position 993, T replaced by G.
Protein change: p.Ser331Arg; replaces serine 331 with arginine.
Molecular consequence: missense variant. On other transcripts: non-coding transcript variant (1), intron variant (12).
Genome position (GRCh38, 1-based): chr3:134,547,398, T>G. VCF-style: chr3-134547398-T-G. GRCh37 (hg19) VCF-style: chr3-134266240-T-G.
Other names: c.993T>G, p.Ser331Arg (NM_001042400.3, NM_001353110.1, NM_001353111.2 and 4 more transcripts); c.929+1110T>G (NM_001042384.2, NM_001353122.1, NM_001353109.1 and 6 more transcripts); c.956+1110T>G (NM_001353118.1); c.566+1110T>G (NM_001353126.2); c.845+1110T>G (NM_001353125.2); short protein forms S331R.
Identifiers: ClinVar variation 1479892 (VCV001479892.6), dbSNP rs1418977609, ClinGen allele CA354629484.